The following is an entry in ClinVar:

NM_014946.4(SPAST):c.1610T>G (p.Leu537Arg)

Gene: SPAST (spastin; plus strand). Cytogenetic location: 2p22.3.
Variant type: single nucleotide variant.
Coding change: c.1610T>G on transcript NM_014946.4 (MANE Select); coding-DNA position 1610, T replaced by G.
Protein change: p.Leu537Arg; replaces leucine 537 with arginine.
Molecular consequence: missense variant.
Genome position (GRCh38, 1-based): chr2:32,143,409, T>G. VCF-style: chr2-32143409-T-G. GRCh37 (hg19) VCF-style: chr2-32368478-T-G.
Other names: c.1607T>G, p.Leu536Arg (NM_001363823.2); c.1511T>G, p.Leu504Arg (NM_001363875.2); c.1514T>G, p.Leu505Arg (NM_001377959.1, NM_199436.2); short protein forms L504R, L505R, L536R, L537R.
Identifiers: ClinVar variation 2684013 (VCV002684013.1), dbSNP rs2465903441, ClinGen allele CA346503854.
Genomic context (GRCh38, chr2:32,143,409, plus strand): 5'-TGCTTAAAAATCTGTTATGTAAACAAGGAAGTCCATTGACCCAAAAAGAACTAGCACAAC[T>G]TGCTAGGTGAGTAATTTGGATTTGGTTTATCTTACAGCTTTTATTTATTTTTTGTAAATA-3'
Protein context (NP_055761.2, residues 527-547): SPLTQKELAQ[Leu537Arg]ARMTDGYSGS

ClinVar aggregate classification (germline): Uncertain significance (1 of 4 stars; one submission).

Submission:

Athena Diagnostics
Classification: Uncertain significance. Last evaluated: 2023-04-04. Review status: criteria provided, single submitter. Criteria: Athena Diagnostics Criteria. Collection method: clinical testing. Allele origin: unknown.
Comment: Available data are insufficient to determine the clinical significance of the variant at this time. This variant has been identified in at least one individual with clinical features associated with this gene. This variant has not been reported in large, multi-ethnic general populations. The variant is located in a region that is considered important for protein function and/or structure. Computational tools predict that this variant is damaging.

Literature cited by the submitters: PubMed 35487127.